The following is an entry in ClinVar:

NM_004629.2(FANCG):c.118C>T (p.Gln40Ter)

Gene: FANCG (FA complementation group G; minus strand). Cytogenetic location: 9p13.3.
Variant type: single nucleotide variant.
Coding change: c.118C>T on transcript NM_004629.2 (MANE Select); coding-DNA position 118, C replaced by T.
Protein change: p.Gln40Ter; replaces glutamine 40 with a stop codon.
Molecular consequence: nonsense.
Genome position (GRCh38, 1-based): chr9:35,079,208, G>A on the plus strand (C>T on the coding strand, the complement: FANCG is on the minus strand). VCF-style: chr9-35079208-G-A. GRCh37 (hg19) VCF-style: chr9-35079205-G-A.
Other names: short protein forms Q40*.
Identifiers: ClinVar variation 929673 (VCV000929673.9), dbSNP rs776122485, ClinGen allele CA5040133.

ClinVar aggregate classification (germline): Pathogenic. Review status: criteria provided, multiple submitters, no conflicts (2 of 4 stars). 5 submissions from 5 submitters: Pathogenic (4). 1 of the submissions does not count toward it. Last evaluated 2025-02-03.

Conditions:
Fanconi anemia complementation group G. Also called: FANCG-Related Fanconi Anemia; Fanconi anemia group G. Identifiers: Orphanet 84, MedGen C3469527, MONDO:0013565, OMIM 614082.
Fanconi anemia (FA). Also called: Fanconi's anemia. Identifiers: Orphanet 84, MedGen C0015625, MeSH D005199, MONDO:0019391.

Allele frequency attached by ClinVar (database versions not stated): gnomAD exomes 0.00002; ExAC 0.00005.

Submissions (5):

Natera, Inc.
Classification: Pathogenic for Fanconi anemia group G. Last evaluated: 2025-02-03. Review status: criteria provided, single submitter. Criteria: Natera Variant Classification Schema (03/2026). Collection method: clinical testing. Allele origin: germline.
Comment: The c.118C>T variant in FANCG is a nonsense variant predicted to introduce a stop codon at amino acid 40. This variant is expected to result in nonsense mediated decay, truncation, or a dysfunctional protein product. This variant is rare in the general population with a frequency below the threshold expected for the associated phenotype(s). This variant has been observed in one or more individuals affected with the associated recessive disease, as either homozygous or compound heterozygous with a second variant (PMID: 12552564). Given the available evidence, this variant is classified as Pathogenic.

Fulgent Genetics
Classification: Pathogenic for Fanconi anemia complementation group G. Last evaluated: 2024-03-06. Review status: criteria provided, single submitter. Criteria: ACMG Guidelines, 2015. Collection method: clinical testing. Allele origin: germline.

Labcorp Genetics (formerly Invitae), Labcorp
Classification: Pathogenic for Fanconi anemia. Last evaluated: 2024-01-18. Review status: criteria provided, single submitter. Criteria: Invitae Variant Classification Sherloc (09022015). Collection method: clinical testing. Allele origin: germline.
Comment: This sequence change creates a premature translational stop signal (p.Gln40*) in the FANCG gene. It is expected to result in an absent or disrupted protein product. Loss-of-function variants in FANCG are known to be pathogenic (PMID: 12552564). This variant is present in population databases (rs776122485, gnomAD 0.003%). This premature translational stop signal has been observed in individual(s) with Fanconi anemia (PMID: 12552564). ClinVar contains an entry for this variant (Variation ID: 929673). Algorithms developed to predict the effect of sequence changes on RNA splicing suggest that this variant may disrupt the consensus splice site. For these reasons, this variant has been classified as Pathogenic.

Baylor Genetics
Classification: Pathogenic for Fanconi anemia complementation group G. Last evaluated: 2023-02-19. Review status: criteria provided, single submitter. Criteria: ACMG Guidelines, 2015. Collection method: clinical testing. Allele origin: unknown.

Leiden Open Variation Database
Classification: Pathogenic for Fanconi anemia complementation group G. Last evaluated: 2011-02-07. Review status: no assertion criteria provided. Collection method: curation. Allele origin: germline. Affected: yes. Not counted in ClinVar's aggregate classification.
Comment: Curator: Arleen D. Auerbach. Submitter to LOVD: Arleen D. Auerbach.

Literature cited by the submitters: PubMed 12552564 (cited by 3 submitters).